The following is an entry in ClinVar:

ClinVar aggregate classification (germline): Uncertain significance (1 of 4 stars; one submission).

Submission:

Labcorp Genetics (formerly Invitae), Labcorp
Classification: Uncertain significance. Last evaluated: 2022-05-04. Review status: criteria provided, single submitter. Criteria: Invitae Variant Classification Sherloc (09022015). Collection method: clinical testing. Allele origin: germline.
Comment: This variant results in a copy number gain of the genomic region encompassing exon(s) 1-4 of the ICOSLG gene. This region includes the initiator codon of the gene. This copy number gain extends beyond the assayed region for this gene and therefore may encompass additional genes. As the precise location of this event is unknown, it may be in tandem or it may be located elsewhere in the genome. This variant has not been reported in the literature in individuals affected with ICOSLG-related conditions. Experimental studies and prediction algorithms are not available or were not evaluated, and the functional significance of this variant is currently unknown. In summary, the available evidence is currently insufficient to determine the role of this variant in disease. Therefore, it has been classified as a Variant of Uncertain Significance.

NC_000021.8:g.(?_45655135)_(45717610_?)dup

Genes: AIRE (autoimmune regulator; plus strand), DNMT3L (DNA methyltransferase 3 like; minus strand), ICOSLG (inducible T cell costimulator ligand; minus strand). Cytogenetic location: 21q22.3.
Variant type: Duplication.
Identifiers: ClinVar variation 2426106 (VCV002426106.4).